The following is an entry in ClinVar:

ClinVar aggregate classification (germline): Likely pathogenic. Review status: reviewed by expert panel (3 of 4 stars). 3 submissions from 3 submitters: Likely pathogenic (1). 2 of the submissions do not count toward it. Last evaluated 2025-06-17.

Conditions:
Glycogen storage disease due to acid maltase deficiency, late-onset (LOPD). Also called: POMPE DISEASE, LATE-ONSET; GLYCOGEN STORAGE DISEASE II, LATE-ONSET; ACID ALPHA-GLUCOSIDASE DEFICIENCY, LATE-ONSET; GAA DEFICIENCY, LATE-ONSET; ACID MALTASE DEFICIENCY, LATE-ONSET; AMD, LATE-ONSET. Identifiers: Orphanet 420429, MedGen C0342753, MONDO:0018485, OMIM 621314.
Glycogen storage disease, type II (IOPD). Also called: GLYCOGENOSIS, GENERALIZED, CARDIAC FORM; GSD II; CARDIOMEGALIA GLYCOGENICA DIFFUSA; POMPE DISEASE, INFANTILE-ONSET; GLYCOGEN STORAGE DISEASE II, INFANTILE-ONSET; ACID ALPHA-GLUCOSIDASE DEFICIENCY, INFANTILE-ONSET. Identifiers: Orphanet 365, MedGen C0017921, MONDO:0009290, OMIM 232300.

Submissions (3):

ClinGen Lysosomal Storage Disorder Variant Curation Expert Panel
Classification: Likely pathogenic for Glycogen storage disease, type II. Last evaluated: 2025-06-17. Review status: reviewed by expert panel. Criteria: clingen_lsd_acmg_specifications_v2-1. Collection method: curation. Allele origin: germline. Inheritance: Autosomal recessive inheritance.
Comment: The NM_000152.5:c.1585_1586delinsGT variant in GAA is predicted to cause substitution of serine by valine at amino acid 529 (p.Ser529Val). At least 5 patients with this variant had documented GAA deficiency with <10% of normal mean control level of GAA activity in leukocytes, lymphocytes, muscle samples or were noted to have deficient GAA activity but results were not provided(PMIDs: 11053688, 17805474, 21984055) (PP4_Moderate). Of those individuals, 2 were compound heterozygous for the variant and a pathogenic variant as classified by the ClinGen Lysosomal Diseases VCEP (PMIDs 17805474, 11053688). Three individuals were homozygous for the variant (PMIDs: 21984055, 11053688) (PM3_Strong). This variant is absent in gnomAD v4.1.0. (PM2_Supporting). This variant results in 14.1% GAA activity when expressed in COS-1 cells by Tsunoda et al, 1996 (PMID 8834250), 10% GAA activity when expressed in SV40 immortalized fibroblasts (TR4912) by Tsujino S et al, 2000 (PMID 11053688), 9.0% wild-type activity in transiently transfected HEK293T cells by Shimada Y et al, 2014 (PMID 25256446), and 14% in transfected COS-7 cells by Flanagan et al, 2009 (PMID: 19862843) (PS3_Supporting). There is a ClinVar entry for this variant (Variation ID: 4026, 0 star review status). In summary, this variant meets the criteria to be classified as Likely Pathogenic for Pompe disease based on the GAA-specific ACMG/AMP criteria applied, as specified by the ClinGen Lysosomal Diseases Variant Curation Expert panel (Specifications Version 2.0): PM3_Strong, PP4_Moderate, PM2_Supporting, PS3_Supporting. (Classification approved by the ClinGen Lysosomal Diseases Variant Curation Expert Panel on June 17, 2025)

Genomenon, Inc
Classification: Likely pathogenic for Glycogen storage disease, type II. Last evaluated: 2026-07-01. Review status: criteria provided, single submitter. Criteria: Genomenon Sequence Variant Interpretation Standards - Updated. Collection method: curation. Allele origin: germline. Affected: yes. Not counted in ClinVar's aggregate classification.
Comment: GAA p.Ser529Val (c.1585_1586delinsGT) is a deletion-insertion variant that changes the amino acid at codon 529 from Serine to Valine. This variant has been observed in at least one proband with a GAA-related disorder in the compound heterozygous and/or homozygous state (PMID:17805474;21984055). At least one functional study has demonstrated a substantial alteration in protein function relative to the wild-type (PMID:11053688;8834250). It is absent or not present at a significant frequency in gnomAD. In conclusion, we classify GAA p.Ser529Val (c.1585_1586delinsGT) as a likely pathogenic variant.

OMIM
Classification: Pathogenic for POMPE DISEASE, ADULT-ONSET. Last evaluated: 1996-04-01. Review status: no assertion criteria provided. Collection method: literature only. Allele origin: germline. Not counted in ClinVar's aggregate classification.

Literature cited by the submitters: PubMed 17805474 (cited by Genomenon, Inc); PubMed 21984055 (cited by Genomenon, Inc); PubMed 11053688 (cited by Genomenon, Inc); PubMed 8834250 (cited by Genomenon, Inc and OMIM).

NM_000152.5(GAA):c.1585_1586delinsGT (p.Ser529Val)

Gene: GAA (alpha glucosidase; plus strand). Cytogenetic location: 17q25.3.
Variant type: Indel.
Coding change: c.1585_1586delinsGT on transcript NM_000152.5 (MANE Select); coding-DNA positions 1585 to 1586, TC replaced by GT.
Protein change: p.Ser529Val; replaces serine 529 with valine.
Molecular consequence: missense variant.
Genome position (GRCh38, 1-based): chr17:80,110,974-80,110,975, TC replaced by GT. VCF-style: chr17-80110974-TC-GT. GRCh37 (hg19) VCF-style: chr17-78084773-TC-GT.
Other names: NM_000152.5(GAA):c.1585_1586delinsGT; p.Ser529Val; c.1585_1586delTCinsGT, p.Ser529Val (LRG_673t1); c.1585_1586delinsGT, p.Ser529Val (NM_001079803.3, NM_001079804.3); short protein forms S529V.
Identifiers: ClinVar variation 4026 (VCV000004026.4), dbSNP rs121907941, ClinGen allele CA116604.